The following is an entry in ClinVar:

ClinVar aggregate classification (germline): Likely pathogenic. Review status: criteria provided, multiple submitters, no conflicts (2 of 4 stars). 2 submissions from 2 submitters: Likely pathogenic (2). Last evaluated 2025-05-12.

Conditions:
Neurofibromatosis, type 1 (NF1). Also called: Neurofibromatosis, type I; VON RECKLINGHAUSEN DISEASE; NEUROFIBROMATOSIS, TYPE I, SOMATIC; Peripheral type neurofibromatosis. Identifiers: Orphanet 636, MedGen C0027831, MONDO:0018975, OMIM 162200. Disease mechanism: loss of function.
Hereditary cancer-predisposing syndrome. Also called: Neoplastic Syndromes, Hereditary; Hereditary neoplastic syndrome; Hereditary Cancer Syndrome; Tumor predisposition. Identifiers: Orphanet 140162, MedGen C0027672, MeSH D009386, MONDO:0015356.
Cardiovascular phenotype. Identifiers: MedGen CN230736.

Submissions (2):

Ambry Genetics
Classification: Likely pathogenic for Cardiovascular phenotype; Hereditary cancer-predisposing syndrome. Last evaluated: 2025-05-12. Review status: criteria provided, single submitter. Criteria: Ambry Variant Classification Scheme 2023. Collection method: clinical testing. Allele origin: germline.
Comment: The c.7552+1delG intronic variant, located in intron 50 of the NF1 gene, results from a deletion of one nucleotide within intron 50 of the NF1 gene. This nucleotide position is highly conserved in available vertebrate species. In silico splice site analysis predicts that this alteration will weaken the native splice donor site and will result in the creation or strengthening of a novel splice donor site; however, direct evidence is insufficient at this time (Ambry internal data). This variant is considered to be rare based on population cohorts in the Genome Aggregation Database (gnomAD). Based on the majority of available evidence to date, this variant is likely to be pathogenic.

Genome Diagnostics Laboratory, The Hospital for Sick Children
Classification: Likely pathogenic for Neurofibromatosis, type 1. Last evaluated: 2020-10-26. Review status: criteria provided, single submitter. Criteria: ACMG Guidelines, 2015. Collection method: clinical testing. Allele origin: germline. Affected: yes.

NM_001042492.3(NF1):c.7615+1del

Gene: NF1 (neurofibromin 1; plus strand). Cytogenetic location: 17q11.2.
Variant type: Deletion.
Coding change: c.7615+1del on transcript NM_001042492.3 (MANE Select); the canonical splice donor site of the intron after coding-DNA position 7615, one base deleted (G; older notation c.7615+1delG).
Molecular consequence: splice donor variant.
Genome position (GRCh38, 1-based): chr17:31,352,415, G deleted; the last of 2 consecutive G bases (chr17:31,352,414-31,352,415); deleting either gives the same sequence. VCF-style (leftmost placement, unchanged base first): chr17-31352413-TG-T. GRCh37 (hg19) VCF-style: chr17-29679431-TG-T.
Other names: c.7552+1delG (NM_000267.3); c.7552+1del (NM_000267.4).
Identifiers: ClinVar variation 996397 (VCV000996397.4), dbSNP rs1355691590, ClinGen allele CA728035244.